The following is an entry in ClinVar:

NM_004304.5(ALK):c.1367A>T (p.Asp456Val)

Gene: ALK (ALK receptor tyrosine kinase; minus strand). Cytogenetic location: 2p23.2.
Variant type: single nucleotide variant.
Coding change: c.1367A>T on transcript NM_004304.5 (MANE Select); coding-DNA position 1367, A replaced by T.
Protein change: p.Asp456Val; replaces aspartic acid 456 with valine.
Molecular consequence: missense variant.
Genome position (GRCh38, 1-based): chr2:29,328,397, T>A on the plus strand (A>T on the coding strand, the complement: ALK is on the minus strand). VCF-style: chr2-29328397-T-A. GRCh37 (hg19) VCF-style: chr2-29551263-T-A.
Other names: short protein forms D456V.
Identifiers: ClinVar variation 4824807 (VCV004824807.1).

ClinVar aggregate classification (germline): Uncertain significance (1 of 4 stars; one submission).

Conditions:
Hereditary cancer-predisposing syndrome. Also called: Neoplastic Syndromes, Hereditary; Hereditary neoplastic syndrome; Tumor predisposition; Hereditary Cancer Syndrome. Identifiers: Orphanet 140162, MedGen C0027672, MeSH D009386, MONDO:0015356.

Submission:

Ambry Genetics
Classification: Uncertain significance for Hereditary cancer-predisposing syndrome. Last evaluated: 2026-01-16. Review status: criteria provided, single submitter. Criteria: Ambry Variant Classification Scheme 2023. Collection method: clinical testing. Allele origin: germline.
Comment: The p.D456V variant (also known as c.1367A>T), located in coding exon 6 of the ALK gene, results from an A to T substitution at nucleotide position 1367. The aspartic acid at codon 456 is replaced by valine, an amino acid with highly dissimilar properties. This amino acid position is conserved. In addition, this alteration is predicted to be deleterious by in silico analysis. Based on the available evidence, the clinical significance of this variant remains unclear.